The following is an entry in ClinVar:

ClinVar aggregate classification (germline): Pathogenic. Review status: criteria provided, multiple submitters, no conflicts (2 of 4 stars). 3 submissions from 3 submitters: Pathogenic (3). Last evaluated 2026-02-09.

Conditions:
Cystic renal disease.
Nephronophthisis. Also called: Juvenile Nephronophthisis. Identifiers: Orphanet 655, MedGen C0687120, MONDO:0019005, HP:0000090.

Allele frequency attached by ClinVar (database versions not stated): gnomAD 0.00001; gnomAD exomes 0.00001; ExAC 0.00002.

Submissions (3):

Genetics Laboratory, Great Ormond Street Hospital NHS Foundation Trust, North Thames Genomic Laboratory Hub
Classification: Pathogenic for Cystic renal disease. Last evaluated: 2026-02-09. Review status: criteria provided, single submitter. Criteria: ACGS Best Practice Guidelines for Variant Classification in Rare Disease 2024 v1.2. Collection method: clinical testing. Allele origin: germline. Affected: yes.
Comment: PM2_moderate, PVS1_very-strong, PM3_strong

Labcorp Genetics (formerly Invitae), Labcorp
Classification: Pathogenic for Nephronophthisis. Last evaluated: 2025-09-02. Review status: criteria provided, single submitter. Criteria: Invitae Variant Classification Sherloc (09022015). Collection method: clinical testing. Allele origin: germline.
Comment: This sequence change creates a premature translational stop signal (p.Ser1092Valfs*11) in the NPHP4 gene. It is expected to result in an absent or disrupted protein product. Loss-of-function variants in NPHP4 are known to be pathogenic (PMID: 12205563, 23559409). This variant is present in population databases (rs777884325, gnomAD 0.02%). This premature translational stop signal has been observed in individual(s) with nephronophthisis (PMID: 18076122). This variant is also known as c.3272dupT (p.V1091fsX1102). ClinVar contains an entry for this variant (Variation ID: 2202693). For these reasons, this variant has been classified as Pathogenic.

GeneDx
Classification: Pathogenic. Last evaluated: 2023-10-11. Review status: criteria provided, single submitter. Criteria: GeneDx Variant Classification Process June 2021. Collection method: clinical testing. Allele origin: germline. Affected: yes.
Comment: Frameshift variant predicted to result in protein truncation or nonsense mediated decay in a gene for which loss of function is a known mechanism of disease; This variant is associated with the following publications: (PMID: 21866095, 36090483, 24705292, 18076122)

Literature cited by the submitters: PubMed 12205563 (cited by Labcorp Genetics (formerly Invitae), Labcorp); PubMed 23559409 (cited by Labcorp Genetics (formerly Invitae), Labcorp); PubMed 18076122 (cited by Labcorp Genetics (formerly Invitae), Labcorp).

NM_015102.5(NPHP4):c.3272dup (p.Ser1092fs)

Gene: NPHP4 (nephrocystin 4; minus strand). Cytogenetic location: 1p36.31.
Variant type: Duplication.
Coding change: c.3272dup on transcript NM_015102.5 (MANE Select); coding-DNA position 3272, one base duplicated (T; older notation c.3272dupT).
Protein change: p.Ser1092fs; shifts the reading frame from serine 1092.
Molecular consequence: frameshift variant. On other transcripts: non-coding transcript variant (1).
Genome position (GRCh38, 1-based): chr1:5,873,295, A duplicated on the plus strand (T on the coding strand, the reverse complement: NPHP4 is on the minus strand). VCF-style (leftmost placement, unchanged base first): chr1-5873294-C-CA. GRCh37 (hg19) VCF-style: chr1-5933354-C-CA.
Other names: c.3272dup (NM_015102.3); c.1733dup, p.Ser579fs (NM_001291593.2); c.1736dup, p.Ser580fs (NM_001291594.2); short protein forms S580fs, S579fs, S1092fs.
Identifiers: ClinVar variation 2202693 (VCV002202693.6), dbSNP rs777884325, ClinGen allele CA553719.